The following is an entry in ClinVar:

ClinVar aggregate classification (germline): Uncertain significance (1 of 4 stars; one submission).

Allele frequency attached by ClinVar (database versions not stated): gnomAD exomes 0.00001.

Submission:

Labcorp Genetics (formerly Invitae), Labcorp
Classification: Uncertain significance. Last evaluated: 2024-08-12. Review status: criteria provided, single submitter. Criteria: Invitae Variant Classification Sherloc (09022015). Collection method: clinical testing. Allele origin: germline.
Comment: This sequence change replaces arginine, which is basic and polar, with glutamine, which is neutral and polar, at codon 108 of the DVL1 protein (p.Arg108Gln). The frequency data for this variant in the population databases is considered unreliable, as metrics indicate poor data quality at this position in the gnomAD database. This variant has not been reported in the literature in individuals affected with DVL1-related conditions. Advanced modeling of protein sequence and biophysical properties (such as structural, functional, and spatial information, amino acid conservation, physicochemical variation, residue mobility, and thermodynamic stability) performed at Invitae indicates that this missense variant is not expected to disrupt DVL1 protein function with a negative predictive value of 80%. In summary, the available evidence is currently insufficient to determine the role of this variant in disease. Therefore, it has been classified as a Variant of Uncertain Significance.

NM_001330311.2(DVL1):c.323G>A (p.Arg108Gln)

Gene: DVL1 (dishevelled segment polarity protein 1; minus strand). Cytogenetic location: 1p36.33.
Variant type: single nucleotide variant.
Coding change: c.323G>A on transcript NM_001330311.2 (MANE Select); coding-DNA position 323, G replaced by A.
Protein change: p.Arg108Gln; replaces arginine 108 with glutamine.
Molecular consequence: missense variant.
Genome position (GRCh38, 1-based): chr1:1,342,402, C>T on the plus strand (G>A on the coding strand, the complement: DVL1 is on the minus strand). VCF-style: chr1-1342402-C-T. GRCh37 (hg19) VCF-style: chr1-1277782-C-T.
Other names: c.323G>A, p.Arg108Gln (NM_004421.3); short protein forms R108Q.
Identifiers: ClinVar variation 2872435 (VCV002872435.3), dbSNP rs1177278522, ClinGen allele CA337875937.